The following is an entry in ClinVar:

ClinVar aggregate classification (germline): Uncertain significance (1 of 4 stars; one submission).

Allele frequency attached by ClinVar (database versions not stated): gnomAD 0.00001; gnomAD exomes 0.00001; ExAC 0.00002; TOPMed 0.00002.
gnomAD v4.1: 20 of 1,612,986 alleles (0.0012%); highest among the groups gnomAD compares: Middle Eastern, 0.035%; no homozygotes.

Submission:

Labcorp Genetics (formerly Invitae), Labcorp
Classification: Uncertain significance. Last evaluated: 2024-10-21. Review status: criteria provided, single submitter. Criteria: Invitae Variant Classification Sherloc (09022015). Collection method: clinical testing. Allele origin: germline.
Comment: This sequence change replaces valine, which is neutral and non-polar, with methionine, which is neutral and non-polar, at codon 226 of the SLC39A14 protein (p.Val226Met). This variant is present in population databases (rs752799182, gnomAD 0.01%). This variant has not been reported in the literature in individuals affected with SLC39A14-related conditions. ClinVar contains an entry for this variant (Variation ID: 2176282). Invitae Evidence Modeling of protein sequence and biophysical properties (such as structural, functional, and spatial information, amino acid conservation, physicochemical variation, residue mobility, and thermodynamic stability) indicates that this missense variant is not expected to disrupt SLC39A14 protein function with a negative predictive value of 80%. In summary, the available evidence is currently insufficient to determine the role of this variant in disease. Therefore, it has been classified as a Variant of Uncertain Significance.

NM_001128431.4(SLC39A14):c.676G>A (p.Val226Met)

Gene: SLC39A14 (solute carrier family 39 member 14; plus strand). Cytogenetic location: 8p21.3.
Variant type: single nucleotide variant.
Coding change: c.676G>A on transcript NM_001128431.4 (MANE Select); coding-DNA position 676, G replaced by A.
Protein change: p.Val226Met; replaces valine 226 with methionine.
Molecular consequence: missense variant.
Genome position (GRCh38, 1-based): chr8:22,414,828, G>A. VCF-style: chr8-22414828-G-A. GRCh37 (hg19) VCF-style: chr8-22272341-G-A.
Other names: c.676G>A, p.Val226Met (NM_001135153.3, NM_001135154.3, NM_001351655.2 and 3 more transcripts); c.706G>A, p.Val236Met (NM_001351657.2, NM_001351658.2, NM_001351659.2); short protein forms V226M, V236M.
Identifiers: ClinVar variation 2176282 (VCV002176282.2), dbSNP rs752799182, ClinGen allele CA4667413.